The following is an entry in ClinVar:

ClinVar aggregate classification (germline): Benign/Likely benign. Review status: criteria provided, multiple submitters, no conflicts (2 of 4 stars). 3 submissions from 3 submitters: Benign (1); Likely benign (2). Last evaluated 2026-06-08.

Conditions:
Hereditary cancer-predisposing syndrome. Also called: Hereditary neoplastic syndrome; Neoplastic Syndromes, Hereditary; Hereditary Cancer Syndrome; Tumor predisposition. Identifiers: Orphanet 140162, MedGen C0027672, MeSH D009386, MONDO:0015356.
Hereditary pheochromocytoma and paraganglioma. Also called: Hereditary pheochromocytoma-paraganglioma; Hereditary Paraganglioma-Pheochromocytoma Syndromes; Hereditary paragangliomas and pheochromocytomas. Identifiers: Orphanet 29072, MedGen C4274332, MONDO:0017366.
Pheochromocytoma. Also called: MAX-Related Hereditary Paraganglioma-Pheochromocytoma Syndrome. Identifiers: Orphanet 29072, MedGen C0031511, MONDO:0008233, OMIM 171300, HP:0002666.

Allele frequency attached by ClinVar (database versions not stated): gnomAD exomes below 0.00001; ExAC 0.00001; gnomAD 0.00001.

Submissions (3):

Myriad Genetics, Inc.
Classification: Benign for Pheochromocytoma. Last evaluated: 2026-06-08. Review status: criteria provided, single submitter. Criteria: Myriad Autosomal Dominant, Autosomal Recessive and X-Linked Classification Criteria (2023). Collection method: clinical testing. Allele origin: unknown.
Comment: This variant is considered benign. This variant is a silent/synonymous amino acid change and it is not expected to impact splicing.

Labcorp Genetics (formerly Invitae), Labcorp
Classification: Likely benign for Hereditary pheochromocytoma and paraganglioma. Last evaluated: 2025-05-05. Review status: criteria provided, single submitter. Criteria: Invitae Variant Classification Sherloc (09022015). Collection method: clinical testing. Allele origin: germline.

Ambry Genetics
Classification: Likely benign for Hereditary cancer-predisposing syndrome. Last evaluated: 2019-07-17. Review status: criteria provided, single submitter. Criteria: Ambry Variant Classification Scheme 2023. Collection method: clinical testing. Allele origin: germline.

NM_002382.5(MAX):c.87T>C (p.Asn29=)

Genes: MAX (MYC associated transcriptional regulator X; minus strand), MAX-AS1 (MAX antisense RNA 1; plus strand). Cytogenetic location: 14q23.3.
Variant type: single nucleotide variant.
Coding change: c.87T>C on transcript NM_002382.5 (MANE Select); coding-DNA position 87, T replaced by C.
Protein change: p.Asn29=; no amino-acid change (asparagine 29 retained).
Molecular consequence: synonymous variant. On other transcripts: non-coding transcript variant (12), 5 prime UTR variant (6), missense variant (1), intron variant (1).
Genome position (GRCh38, 1-based): chr14:65,093,792, A>G on the plus strand (T>C on the coding strand, the complement: MAX is on the minus strand). VCF-style: chr14-65093792-A-G. GRCh37 (hg19) VCF-style: chr14-65560510-A-G.
Other names: c.60T>C, p.Asn20= (NM_001271068.2, NM_001271069.2, NM_001407095.1 and 9 more transcripts); c.-188T>C (NM_001320415.2, NM_001407105.1, NM_001407106.1 and 1 more transcripts); c.87T>C, p.Asn29= (NM_001407094.1, NM_001407096.1, NM_001407097.1 and 5 more transcripts); c.-281T>C (NM_001407111.1, NM_001407112.1); c.110T>C, p.Met37Thr (NM_001407114.1); c.63+7754T>C (NM_001407098.1); short protein forms M37T.
Identifiers: ClinVar variation 463814 (VCV000463814.13), dbSNP rs771488967, ClinGen allele CA7232981.